The following is an entry in ClinVar:

ClinVar aggregate classification (germline): Uncertain significance. Review status: criteria provided, multiple submitters, no conflicts (2 of 4 stars). 2 submissions from 2 submitters: Uncertain significance (2). Last evaluated 2024-09-12.

Allele frequency attached by ClinVar (database versions not stated): gnomAD 0.00001 and 0.00002; ExAC 0.00002; gnomAD exomes 0.00003; TOPMed 0.00003.
gnomAD v4.1: 43 of 1,613,872 alleles (0.0027%); highest among the groups gnomAD compares: African/African-American, 0.0067%; no homozygotes.

Submissions (2):

Blueprint Genetics
Classification: Uncertain significance. Last evaluated: 2024-09-12. Review status: criteria provided, single submitter. Criteria: ACMG Guidelines, 2015. Collection method: clinical testing. Allele origin: germline.

Labcorp Genetics (formerly Invitae), Labcorp
Classification: Uncertain significance. Last evaluated: 2022-09-27. Review status: criteria provided, single submitter. Criteria: Invitae Variant Classification Sherloc (09022015). Collection method: clinical testing. Allele origin: germline.
Comment: In summary, the available evidence is currently insufficient to determine the role of this variant in disease. Therefore, it has been classified as a Variant of Uncertain Significance. Algorithms developed to predict the effect of missense changes on protein structure and function (SIFT, PolyPhen-2, Align-GVGD) all suggest that this variant is likely to be disruptive. ClinVar contains an entry for this variant (Variation ID: 1502558). This variant has not been reported in the literature in individuals affected with IMPG1-related conditions. This variant is present in population databases (rs761548357, gnomAD 0.009%). This sequence change replaces tyrosine, which is neutral and polar, with cysteine, which is neutral and slightly polar, at codon 558 of the IMPG1 protein (p.Tyr558Cys).

NM_001563.4(IMPG1):c.1673A>G (p.Tyr558Cys)

Gene: IMPG1 (interphotoreceptor matrix proteoglycan 1; minus strand). Cytogenetic location: 6q14.1.
Variant type: single nucleotide variant.
Coding change: c.1673A>G on transcript NM_001563.4 (MANE Select); coding-DNA position 1673, A replaced by G.
Protein change: p.Tyr558Cys; replaces tyrosine 558 with cysteine.
Molecular consequence: missense variant.
Genome position (GRCh38, 1-based): chr6:75,950,713, T>C on the plus strand (A>G on the coding strand, the complement: IMPG1 is on the minus strand). VCF-style: chr6-75950713-T-C. GRCh37 (hg19) VCF-style: chr6-76660430-T-C.
Other names: c.1439A>G, p.Tyr480Cys (NM_001282368.2); short protein forms Y558C, Y480C.
Identifiers: ClinVar variation 1502558 (VCV001502558.7), dbSNP rs761548357, ClinGen allele CA3898075.